The following is an entry in ClinVar:

ClinVar aggregate classification (germline): Likely pathogenic (1 of 4 stars; one submission).

Conditions:
Baller-Gerold syndrome (BGS). Also called: CRANIOSYNOSTOSIS WITH RADIAL DEFECTS. Identifiers: Orphanet 1225, MedGen C0265308, MONDO:0009039, OMIM 218600.

Submission:

Labcorp Genetics (formerly Invitae), Labcorp
Classification: Likely pathogenic for Baller-Gerold syndrome. Last evaluated: 2023-07-10. Review status: criteria provided, single submitter. Criteria: Invitae Variant Classification Sherloc (09022015). Collection method: clinical testing. Allele origin: germline.
Comment: This variant results in the deletion of part of exon 16 (c.2866_2885+19del) of the RECQL4 gene. It is expected to disrupt RNA splicing. Variants that disrupt the donor or acceptor splice site typically lead to a loss of protein function (PMID: 16199547), and loss-of-function variants in RECQL4 are known to be pathogenic (PMID: 12734318, 12952869). This variant is present in population databases (no rsID available, gnomAD 0.006%). This variant has not been reported in the literature in individuals affected with RECQL4-related conditions. ClinVar contains an entry for this variant (Variation ID: 459438). Algorithms developed to predict the effect of sequence changes on RNA splicing suggest that this variant may disrupt the consensus splice site. In summary, the currently available evidence indicates that the variant is pathogenic, but additional data are needed to prove that conclusively. Therefore, this variant has been classified as Likely Pathogenic.

Literature cited by the submitters: PubMed 16199547; PubMed 12734318; PubMed 12952869.

NM_004260.4(RECQL4):c.2866_2885+19del

Gene: RECQL4 (RecQ like helicase 4; minus strand). Cytogenetic location: 8q24.3.
Variant type: Deletion.
Coding change: c.2866_2885+19del on transcript NM_004260.4 (MANE Select); coding-DNA position 2866 through 19 bases into the intron after coding-DNA position 2885, 39 bases deleted.
Molecular consequence: splice donor variant.
Genome position (GRCh38, 1-based): chr8:144,512,623-144,512,661, 39 bases deleted; deleting any 39 consecutive bases within chr8:144,512,623-144,512,672 gives the same sequence; the c. name uses the placement nearest the transcript's 3' end. GRCh37 (hg19): chr8:145,738,017-145,738,055.
Identifiers: ClinVar variation 459438 (VCV000459438.7), dbSNP rs1554897134, ClinGen allele CA586165231.